The following is an entry in ClinVar:

NM_001042492.3(NF1):c.5222A>T (p.His1741Leu)

Gene: NF1 (neurofibromin 1; plus strand). Cytogenetic location: 17q11.2.
Variant type: single nucleotide variant.
Coding change: c.5222A>T on transcript NM_001042492.3 (MANE Select); coding-DNA position 5222, A replaced by T.
Protein change: p.His1741Leu; replaces histidine 1741 with leucine.
Molecular consequence: missense variant.
Genome position (GRCh38, 1-based): chr17:31,326,206, A>T. VCF-style: chr17-31326206-A-T. GRCh37 (hg19) VCF-style: chr17-29653224-A-T.
Other names: c.5159A>T, p.His1720Leu (NM_000267.4); short protein forms H1720L, H1741L.
Identifiers: ClinVar variation 480193 (VCV000480193.5), dbSNP rs1555533402, ClinGen allele CA399008201.
Genomic context (GRCh38, chr17:31,326,206, plus strand): 5'-ATGAACAACAGAAACTACCTGCTGCCACCTTGGCTTTAGAAGAGGACCTGAAGGTATTCC[A>T]CAATGCTCTCAAGCTAGCTCACAAAGACACCAAAGTTTCTATTAAAGTAAGTTCCAGTCT-3'
Protein context (NP_001035957.1, residues 1731-1751): LALEEDLKVF[His1741Leu]NALKLAHKDT

ClinVar aggregate classification (germline): Uncertain significance (1 of 4 stars; one submission).

Conditions:
Hereditary cancer-predisposing syndrome. Also called: Hereditary Cancer Syndrome; Neoplastic Syndromes, Hereditary; Tumor predisposition; Hereditary neoplastic syndrome. Identifiers: Orphanet 140162, MedGen C0027672, MeSH D009386, MONDO:0015356.
Cardiovascular phenotype. Identifiers: MedGen CN230736.

Submission:

Ambry Genetics
Classification: Uncertain significance for Cardiovascular phenotype; Hereditary cancer-predisposing syndrome. Last evaluated: 2021-07-06. Review status: criteria provided, single submitter. Criteria: Ambry Variant Classification Scheme 2023. Collection method: clinical testing. Allele origin: germline.
Comment: The p.H1720L variant (also known as c.5159A>T), located in coding exon 36 of the NF1 gene, results from an A to T substitution at nucleotide position 5159. The histidine at codon 1720 is replaced by leucine, an amino acid with similar properties. This amino acid position is well conserved in available vertebrate species. In addition, the in silico prediction for this alteration is inconclusive. Since supporting evidence is limited at this time, the clinical significance of this alteration remains unclear.